The following is an entry in ClinVar:

ClinVar aggregate classification (germline): Uncertain significance (1 of 4 stars; one submission).

Conditions:
Primary ciliary dyskinesia. Also called: Ciliary dyskinesia. Identifiers: Orphanet 244, MedGen C0008780, MONDO:0016575, HP:0012265.

Allele frequency attached by ClinVar (database versions not stated): ExAC 0.00001; gnomAD 0.00001; gnomAD exomes 0.00001; 1000 Genomes Project 30x 0.00016; 1000 Genomes Project 0.00020.
gnomAD v4.1: 4 of 1,608,622 alleles (0.00025%); highest among the groups gnomAD compares: African/African-American, 0.0054%; no homozygotes.

Submission:

Labcorp Genetics (formerly Invitae), Labcorp
Classification: Uncertain significance for Primary ciliary dyskinesia. Last evaluated: 2020-05-04. Review status: criteria provided, single submitter. Criteria: Invitae Variant Classification Sherloc (09022015). Collection method: clinical testing. Allele origin: germline.
Comment: In summary, the available evidence is currently insufficient to determine the role of this variant in disease. Therefore, it has been classified as a Variant of Uncertain Significance. Nucleotide substitutions within the consensus splice site are a relatively common cause of aberrant splicing (PMID: 17576681, 9536098). Experimental studies and prediction algorithms are not available or were not evaluated, and the effect of this variant on mRNA splicing is currently unknown. This variant has not been reported in the literature in individuals with DNAH8-related conditions. The frequency data for this variant in the population databases is considered unreliable, as metrics indicate poor data quality at this position in the ExAC database. This sequence change falls in intron 5 of the DNAH8 gene. It does not directly change the encoded amino acid sequence of the DNAH8 protein, but it affects a nucleotide within the consensus splice site of the intron.

Literature cited by the submitters: PubMed 17576681; PubMed 9536098.

NM_001206927.2(DNAH8):c.762+4T>G

Gene: DNAH8 (dynein axonemal heavy chain 8; plus strand). Cytogenetic location: 6p21.2.
Variant type: single nucleotide variant.
Coding change: c.762+4T>G on transcript NM_001206927.2 (MANE Select); 4 bases into the intron after coding-DNA position 762, T replaced by G.
Molecular consequence: intron variant.
Genome position (GRCh38, 1-based): chr6:38,734,629, T>G. VCF-style: chr6-38734629-T-G. GRCh37 (hg19) VCF-style: chr6-38702405-T-G.
Other names: c.111+4T>G (NM_001371.4).
Identifiers: ClinVar variation 1034456 (VCV001034456.7), dbSNP rs552492150, ClinGen allele CA3788032.